The following is an entry in ClinVar:

ClinVar aggregate classification (germline): Uncertain significance (1 of 4 stars; one submission).

Allele frequency attached by ClinVar (database versions not stated): gnomAD exomes below 0.00001; ExAC 0.00001.
gnomAD v4.1: 6 of 1,614,042 alleles (0.00037%); highest among the groups gnomAD compares: Admixed American, 0.0017%; no homozygotes.

Submission:

Labcorp Genetics (formerly Invitae), Labcorp
Classification: Uncertain significance. Last evaluated: 2022-07-25. Review status: criteria provided, single submitter. Criteria: Invitae Variant Classification Sherloc (09022015). Collection method: clinical testing. Allele origin: germline.
Comment: This sequence change replaces tyrosine, which is neutral and polar, with asparagine, which is neutral and polar, at codon 1033 of the ADNP protein (p.Tyr1033Asn). Algorithms developed to predict the effect of missense changes on protein structure and function are either unavailable or do not agree on the potential impact of this missense change (SIFT: "Deleterious"; PolyPhen-2: "Benign"; Align-GVGD: "Class C0"). This variant is present in population databases (rs766133521, gnomAD 0.003%). This variant has not been reported in the literature in individuals affected with ADNP-related conditions. In summary, the available evidence is currently insufficient to determine the role of this variant in disease. Therefore, it has been classified as a Variant of Uncertain Significance.

NM_001282531.3(ADNP):c.3097T>A (p.Tyr1033Asn)

Gene: ADNP (activity dependent neuroprotector homeobox; minus strand). Cytogenetic location: 20q13.13.
Variant type: single nucleotide variant.
Coding change: c.3097T>A on transcript NM_001282531.3 (MANE Select); coding-DNA position 3097, T replaced by A.
Protein change: p.Tyr1033Asn; replaces tyrosine 1033 with asparagine.
Molecular consequence: missense variant.
Genome position (GRCh38, 1-based): chr20:50,891,617, A>T on the plus strand (T>A on the coding strand, the complement: ADNP is on the minus strand). VCF-style: chr20-50891617-A-T. GRCh37 (hg19) VCF-style: chr20-49508154-A-T.
Other names: c.3097T>A, p.Tyr1033Asn (NM_001282532.2, NM_001347511.2, NM_015339.5 and 1 more transcripts); short protein forms Y1033N.
Identifiers: ClinVar variation 2190027 (VCV002190027.4), dbSNP rs766133521, ClinGen allele CA9908448.